The following is an entry in ClinVar:

ClinVar aggregate classification (germline): Uncertain significance. Review status: criteria provided, multiple submitters, no conflicts (2 of 4 stars). 2 submissions from 2 submitters: Uncertain significance (2). Last evaluated 2022-09-27.

Submissions (2):

Labcorp Genetics (formerly Invitae), Labcorp
Classification: Uncertain significance. Last evaluated: 2022-09-27. Review status: criteria provided, single submitter. Criteria: Invitae Variant Classification Sherloc (09022015). Collection method: clinical testing. Allele origin: germline.
Comment: This sequence change replaces arginine, which is basic and polar, with methionine, which is neutral and non-polar, at codon 378 of the POC1B protein (p.Arg378Met). This variant is not present in population databases (gnomAD no frequency). This variant has not been reported in the literature in individuals affected with POC1B-related conditions. Algorithms developed to predict the effect of missense changes on protein structure and function are either unavailable or do not agree on the potential impact of this missense change (SIFT: "Tolerated"; PolyPhen-2: "Possibly Damaging"; Align-GVGD: "Class C0"). In summary, the available evidence is currently insufficient to determine the role of this variant in disease. Therefore, it has been classified as a Variant of Uncertain Significance.

Blueprint Genetics
Classification: Uncertain significance. Last evaluated: 2020-10-21. Review status: criteria provided, single submitter. Criteria: ACMG Guidelines, 2015. Collection method: clinical testing. Allele origin: germline.

NM_172240.3(POC1B):c.1133G>T (p.Arg378Met)

Genes: POC1B (POC1 centriolar protein B; minus strand), POC1B-DUSP6 (POC1B-DUSP6 readthrough; minus strand). Cytogenetic location: 12q21.33.
Variant type: single nucleotide variant.
Coding change: c.1133G>T on transcript NM_172240.3 (MANE Select); coding-DNA position 1133, G replaced by T.
Protein change: p.Arg378Met; replaces arginine 378 with methionine.
Molecular consequence: missense variant. On other transcripts: non-coding transcript variant (2).
Genome position (GRCh38, 1-based): chr12:89,425,360, C>A on the plus strand (G>T on the coding strand, the complement: POC1B is on the minus strand). VCF-style: chr12-89425360-C-A. GRCh37 (hg19) VCF-style: chr12-89819137-C-A.
Other names: c.1007G>T, p.Arg336Met (NM_001199777.2); short protein forms R378M, R336M.
Identifiers: ClinVar variation 2128406 (VCV002128406.5), dbSNP rs1880720671, ClinGen allele CA385986134.
Genomic context (GRCh38, chr12:89,425,360, plus strand): 5'-GACATTAAGGAAGGGTTCAAGAAATATCCACAGGCCTCTTCACCCTTGTCTGGCAGAGTC[C>A]TACCACTGGTTTCTGTTGTCTTTAATGTCACAGAAAATGTAGGAAGAGTTATATTTTCCA-3'
Protein context (NP_758440.1, residues 368-388): DSTTTTETSG[Arg378Met]TLPDKGEEAC